The following is an entry in ClinVar:

NM_017780.4(CHD7):c.6242del (p.Cys2081fs)

Gene: CHD7 (chromodomain helicase DNA binding protein 7; plus strand). Cytogenetic location: 8q12.2.
Variant type: Deletion.
Coding change: c.6242del on transcript NM_017780.4 (MANE Select); coding-DNA position 6242, one base deleted (G; older notation c.6242delG).
Protein change: p.Cys2081fs; shifts the reading frame from cysteine 2081.
Molecular consequence: frameshift variant. On other transcripts: intron variant (1).
Genome position (GRCh38, 1-based): chr8:60,852,967, G deleted. VCF-style (leftmost placement, unchanged base first): chr8-60852966-TG-T. GRCh37 (hg19) VCF-style: chr8-61765525-TG-T.
Other names: c.1717-9262del (NM_001316690.1); short protein forms C2081fs.
Identifiers: ClinVar variation 2765133 (VCV002765133.3), dbSNP rs2488040788, ClinGen allele CA2697549947.

ClinVar aggregate classification (germline): Pathogenic (1 of 4 stars; one submission).

Conditions:
CHARGE syndrome (CHARGE). Also called: Hittner Hirsch Kreh syndrome; CHARGE ASSOCIATION--COLOBOMA, HEART ANOMALY, CHOANAL ATRESIA, RETARDATION, GENITAL AND EAR ANOMALIES; Coloboma, heart anomaly, choanal atresia, retardation, genital and ear anomalies; CHARGE association; Hall-Hittner syndrome. Identifiers: Orphanet 138, MedGen C0265354, MONDO:0008965.

Submission:

Labcorp Genetics (formerly Invitae), Labcorp
Classification: Pathogenic for CHARGE syndrome. Last evaluated: 2023-11-01. Review status: criteria provided, single submitter. Criteria: Invitae Variant Classification Sherloc (09022015). Collection method: clinical testing. Allele origin: germline.
Comment: This sequence change creates a premature translational stop signal (p.Cys2081Serfs*63) in the CHD7 gene. It is expected to result in an absent or disrupted protein product. Loss-of-function variants in CHD7 are known to be pathogenic (PMID: 22461308, 25077900). This variant is not present in population databases (gnomAD no frequency). This variant has not been reported in the literature in individuals affected with CHD7-related conditions. For these reasons, this variant has been classified as Pathogenic.

Literature cited by the submitters: PubMed 22461308; PubMed 25077900.